The following is an entry in ClinVar:

ClinVar aggregate classification (germline): Uncertain significance. Review status: criteria provided, multiple submitters, no conflicts (2 of 4 stars). 3 submissions from 3 submitters: Uncertain significance (3). Last evaluated 2026-02-06.

Conditions:
Hypertrophic cardiomyopathy 14. Identifiers: MedGen C2750467, MONDO:0013197, OMIM 613251.

Allele frequency attached by ClinVar (database versions not stated): gnomAD exomes below 0.00001; TOPMed below 0.00001.
gnomAD v4.1: 1 of 1,614,194 alleles (0.000062%); highest among the groups gnomAD compares: Non-Finnish European, 0.000085%; no homozygotes.

Submissions (3):

GeneDx
Classification: Uncertain significance. Last evaluated: 2026-02-06. Review status: criteria provided, single submitter. Criteria: GeneDx Variant Classification Process June 2021. Collection method: clinical testing. Allele origin: germline. Affected: yes.
Comment: Not observed at significant frequency in large population cohorts (gnomAD); In silico analysis supports that this missense variant has a deleterious effect on protein structure/function; Has not been previously published as pathogenic or benign to our knowledge

CeGaT Center for Human Genetics Tuebingen
Classification: Uncertain significance. Last evaluated: 2025-09-01. Review status: criteria provided, single submitter. Criteria: CeGaT Center For Human Genetics Tuebingen Variant Classification Criteria Version 2. Collection method: clinical testing. Allele origin: germline. Affected: yes. Observed: 2 variant alleles.
Comment: MYH6: PM2, PP3, BP5

Labcorp Genetics (formerly Invitae), Labcorp
Classification: Uncertain significance for Hypertrophic cardiomyopathy 14. Last evaluated: 2022-12-09. Review status: criteria provided, single submitter. Criteria: Invitae Variant Classification Sherloc (09022015). Collection method: clinical testing. Allele origin: germline.
Comment: In summary, the available evidence is currently insufficient to determine the role of this variant in disease. Therefore, it has been classified as a Variant of Uncertain Significance. Advanced modeling of protein sequence and biophysical properties (such as structural, functional, and spatial information, amino acid conservation, physicochemical variation, residue mobility, and thermodynamic stability) performed at Invitae indicates that this missense variant is expected to disrupt MYH6 protein function. ClinVar contains an entry for this variant (Variation ID: 857558). This variant has not been reported in the literature in individuals affected with MYH6-related conditions. This variant is not present in population databases (gnomAD no frequency). This sequence change replaces glutamic acid, which is acidic and polar, with lysine, which is basic and polar, at codon 484 of the MYH6 protein (p.Glu484Lys).

NM_002471.4(MYH6):c.1450G>A (p.Glu484Lys)

Gene: MYH6 (myosin heavy chain 6; minus strand). Cytogenetic location: 14q11.2.
Variant type: single nucleotide variant.
Coding change: c.1450G>A on transcript NM_002471.4 (MANE Select); coding-DNA position 1450, G replaced by A.
Protein change: p.Glu484Lys; replaces glutamic acid 484 with lysine.
Molecular consequence: missense variant.
Genome position (GRCh38, 1-based): chr14:23,400,387, C>T on the plus strand (G>A on the coding strand, the complement: MYH6 is on the minus strand). VCF-style: chr14-23400387-C-T. GRCh37 (hg19) VCF-style: chr14-23869596-C-T.
Other names: short protein forms E484K.
Identifiers: ClinVar variation 857558 (VCV000857558.14), dbSNP rs1891562205, ClinGen allele CA389022970.